The following is an entry in ClinVar:

NM_000260.4(MYO7A):c.6355-3T>C

Gene: MYO7A (myosin VIIA; plus strand). Cytogenetic location: 11q13.5.
Variant type: single nucleotide variant.
Coding change: c.6355-3T>C on transcript NM_000260.4 (MANE Select); 3 bases into the intron before coding-DNA position 6355, T replaced by C.
Molecular consequence: intron variant.
Genome position (GRCh38, 1-based): chr11:77,212,949, T>C. VCF-style: chr11-77212949-T-C. GRCh37 (hg19) VCF-style: chr11-76923994-T-C.
Other names: c.6208-3T>C (NM_001369365.1); c.6235-3T>C (NM_001127180.2).
Identifiers: ClinVar variation 2103499 (VCV002103499.4), dbSNP rs1957971916, ClinGen allele CA1984130709.
Genomic context (GRCh38, chr11:77,212,949, plus strand): 5'-CTGTCCCCAAATGCTTTTCTTGCTCTGGGCCCCCATCTGATGCCTTCTCATCTTTTTTTC[T>C]AGCAAACTACGGAGCCAAACTTCCCTGAGATCCTCCTAATTGCCATCAACAAGTATGGGG-3'

ClinVar aggregate classification (germline): Uncertain significance (1 of 4 stars; one submission).

Allele frequency attached by ClinVar (database versions not stated): gnomAD exomes below 0.00001; TOPMed 0.00001.

Submission:

Labcorp Genetics (formerly Invitae), Labcorp
Classification: Uncertain significance. Last evaluated: 2025-07-14. Review status: criteria provided, single submitter. Criteria: Invitae Variant Classification Sherloc (09022015). Collection method: clinical testing. Allele origin: germline.
Comment: This sequence change falls in intron 46 of the MYO7A gene. It does not directly change the encoded amino acid sequence of the MYO7A protein. It affects a nucleotide within the consensus splice site. This variant is not present in population databases (gnomAD no frequency). This variant has not been reported in the literature in individuals affected with MYO7A-related conditions. ClinVar contains an entry for this variant (Variation ID: 2103499). Variants that disrupt the consensus splice site are a relatively common cause of aberrant splicing (PMID: 17576681, 9536098). Algorithms developed to predict the effect of sequence changes on RNA splicing suggest that this variant is not likely to affect RNA splicing. In summary, the available evidence is currently insufficient to determine the role of this variant in disease. Therefore, it has been classified as a Variant of Uncertain Significance.

Literature cited by the submitters: PubMed 17576681; PubMed 9536098.